The following is an entry in ClinVar:

NM_002335.4(LRP5):c.2399T>C (p.Val800Ala)

Gene: LRP5 (LDL receptor related protein 5; plus strand). Cytogenetic location: 11q13.2.
Variant type: single nucleotide variant.
Coding change: c.2399T>C on transcript NM_002335.4 (MANE Select); coding-DNA position 2399, T replaced by C.
Protein change: p.Val800Ala; replaces valine 800 with alanine.
Molecular consequence: missense variant.
Genome position (GRCh38, 1-based): chr11:68,411,516, T>C. VCF-style: chr11-68411516-T-C. GRCh37 (hg19) VCF-style: chr11-68178984-T-C.
Other names: c.656T>C, p.Val219Ala (NM_001291902.2); short protein forms V219A, V800A.
Identifiers: ClinVar variation 1388060 (VCV001388060.8), dbSNP rs749972187, ClinGen allele CA6149627.
Genomic context (GRCh38, chr11:68,411,516, plus strand): 5'-GGGGCGGCAAGCCGAGGATCGTGCGGGCCTTCATGGACGGGACCAACTGCATGACGCTGG[T>C]GGACAAGGTGGGCCGGGCCAACGACCTCACCATTGACTACGCTGACCAGCGCCTCTACTG-3'
Protein context (NP_002326.2, residues 790-810): FMDGTNCMTL[Val800Ala]DKVGRANDLT

ClinVar aggregate classification (germline): Uncertain significance (1 of 4 stars; one submission).

Allele frequency attached by ClinVar (database versions not stated): ExAC 0.00001; gnomAD 0.00001; gnomAD exomes 0.00001 and 0.00003; TOPMed 0.00001.
gnomAD v4.1: 48 of 1,613,616 alleles (0.003%); highest among the groups gnomAD compares: Non-Finnish European, 0.0039%; no homozygotes.

Submission:

Labcorp Genetics (formerly Invitae), Labcorp
Classification: Uncertain significance. Last evaluated: 2025-06-08. Review status: criteria provided, single submitter. Criteria: Invitae Variant Classification Sherloc (09022015). Collection method: clinical testing. Allele origin: germline.
Comment: This sequence change replaces valine, which is neutral and non-polar, with alanine, which is neutral and non-polar, at codon 800 of the LRP5 protein (p.Val800Ala). This variant is present in population databases (rs749972187, gnomAD 0.003%). This variant has not been reported in the literature in individuals affected with LRP5-related conditions. ClinVar contains an entry for this variant (Variation ID: 1388060). Invitae Evidence Modeling of protein sequence and biophysical properties (such as structural, functional, and spatial information, amino acid conservation, physicochemical variation, residue mobility, and thermodynamic stability) has been performed for this missense variant. However, the output from this modeling did not meet the statistical confidence thresholds required to predict the impact of this variant on LRP5 protein function. In summary, the available evidence is currently insufficient to determine the role of this variant in disease. Therefore, it has been classified as a Variant of Uncertain Significance.